The following is an entry in ClinVar:

NM_015295.3(SMCHD1):c.408A>C (p.Glu136Asp)

Gene: SMCHD1 (structural maintenance of chromosomes flexible hinge domain containing 1; plus strand). Cytogenetic location: 18p11.32.
Variant type: single nucleotide variant.
Coding change: c.408A>C on transcript NM_015295.3 (MANE Select); coding-DNA position 408, A replaced by C.
Protein change: p.Glu136Asp; replaces glutamic acid 136 with aspartic acid.
Molecular consequence: missense variant.
Genome position (GRCh38, 1-based): chr18:2,667,015, A>C. VCF-style: chr18-2667015-A-C. GRCh37 (hg19) VCF-style: chr18-2667014-A-C.
Other names: short protein forms E136D.
Identifiers: ClinVar variation 375764 (VCV000375764.5), dbSNP rs1057519643, ClinGen allele CA16602279.
Genomic context (GRCh38, chr18:2,667,015, plus strand): 5'-CTTCTTACCTCACTATGACACACTGGTTAAAAGTGGCATGTATGAATATTATGCCAGTGA[A>C]GGACAAAATCCTTTGCGTAAGTATCCCATTCATACTAATTTTGATAAATTATTACCTGCC-3'
Protein context (NP_056110.2, residues 126-146): KSGMYEYYAS[Glu136Asp]GQNPLPFALA

ClinVar aggregate classification (germline): Conflicting classifications of pathogenicity. Review status: criteria provided, conflicting classifications (1 of 4 stars). 5 submissions from 4 submitters: Likely pathogenic (1); Uncertain significance (1). 3 of the submissions do not count toward it. Last evaluated 2023-11-28.

Conditions:
Arrhinia with choanal atresia and microphthalmia syndrome. Also called: ARHINIA, CHOANAL ATRESIA, MICROPHTHALMIA, AND HYPOGONADOTROPIC HYPOGONADISM; Arhinia, choanal atresia, and microphthalmia; Arrhinia-choanal atresia-microphthalmia syndrome. Identifiers: Orphanet 1135, Orphanet 2250, MedGen C1863878, MONDO:0011323, OMIM 603457.
Facioscapulohumeral muscular dystrophy 2 (FSHD2). Also called: MUSCULAR DYSTROPHY, FACIOSCAPULOHUMERAL, TYPE 1B; FACIOSCAPULOHUMERAL MUSCULAR DYSTROPHY 2, DIGENIC; FSHD2, DIGENIC. Identifiers: Orphanet 269, MedGen C1834671, MONDO:0008031, OMIM 158901.

Submissions (5):

3billion
Classification: Likely pathogenic for Arrhinia with choanal atresia and microphthalmia syndrome. Last evaluated: 2023-11-28. Review status: criteria provided, single submitter. Criteria: ACMG Guidelines, 2015. Collection method: clinical testing. Allele origin: germline. Affected: yes.
Comment: The variant is not observed in the gnomAD v2.1.1 dataset. Predicted Consequence/Location: The variant is located in a mutational hot spot and/or well-established functional domain in which established pathogenic variants have been reported. Missense changes are a common disease-causing mechanism. Damaging effect on gene or gene product predicted by in silico programs is uncertain [REVEL: 0.13 (damaging >=0.6, benign <0.4), 3Cnet: 0.16 (damaging >=0.6, benign <0.15), Splice AI: NA (spliceogenicity >=0.2, non-spliceogenicity <0.1)]. Same nucleotide change resulting in same amino acid change has been previously reported to be associated with SMCHD1 related disorder (ClinVar ID: VCV000375764 /PMID: 28067909). However, the evidence of pathogenicity is insufficient at this time. A different missense change at the same codon (p.Glu136Gly) has been reported to be associated with SMCHD1 related disorder (PMID: 28067911). Therefore, this variant is classified as Likely pathogenic according to the recommendation of ACMG/AMP guideline.

Labcorp Genetics (formerly Invitae), Labcorp
Classification: Uncertain significance for Facioscapulohumeral muscular dystrophy 2. Last evaluated: 2023-10-18. Review status: criteria provided, single submitter. Criteria: Invitae Variant Classification Sherloc (09022015). Collection method: clinical testing. Allele origin: germline.
Comment: This sequence change replaces glutamic acid, which is acidic and polar, with aspartic acid, which is acidic and polar, at codon 136 of the SMCHD1 protein (p.Glu136Asp). This variant is not present in population databases (gnomAD no frequency). This missense change has been observed in individual(s) with clinical features of SMCHD1-related conditions (PMID: 28067909). ClinVar contains an entry for this variant (Variation ID: 375764). Advanced modeling of protein sequence and biophysical properties (such as structural, functional, and spatial information, amino acid conservation, physicochemical variation, residue mobility, and thermodynamic stability) has been performed at Invitae for this missense variant, however the output from this modeling did not meet the statistical confidence thresholds required to predict the impact of this variant on SMCHD1 protein function. In summary, the available evidence is currently insufficient to determine the role of this variant in disease. Therefore, it has been classified as a Variant of Uncertain Significance.

OMIM
Classification: Pathogenic for BOSMA ARHINIA MICROPHTHALMIA SYNDROME. Last evaluated: 2017-02-27. Review status: no assertion criteria provided. Collection method: literature only. Allele origin: germline. Not counted in ClinVar's aggregate classification.

MGH Harvard Center for Reproductive Medicine, Massachusetts General Hospital
Classification: Pathogenic for Arrhinia with choanal atresia and microphthalmia syndrome. Review status: no assertion criteria provided. Collection method: research. Allele origin: paternal. Affected: yes. Observed: 1 variant allele. Not counted in ClinVar's aggregate classification.

MGH Harvard Center for Reproductive Medicine, Massachusetts General Hospital
Classification: Pathogenic for Facioscapulohumeral muscular dystrophy 2. Review status: no assertion criteria provided. Collection method: research. Allele origin: unknown. Affected: yes. Observed: 1 variant allele. Not counted in ClinVar's aggregate classification.

Literature cited by the submitters: PubMed 28067911 (cited by 3billion); PubMed 28067909 (cited by 4 submitters); PubMed 26842768 (cited by OMIM).